The following is an entry in ClinVar:

ClinVar aggregate classification (germline): Uncertain significance (1 of 4 stars; one submission).

Submission:

Labcorp Genetics (formerly Invitae), Labcorp
Classification: Uncertain significance. Last evaluated: 2023-02-02. Review status: criteria provided, single submitter. Criteria: Invitae Variant Classification Sherloc (09022015). Collection method: clinical testing. Allele origin: germline.
Comment: In summary, the available evidence is currently insufficient to determine the role of this variant in disease. Therefore, it has been classified as a Variant of Uncertain Significance. Algorithms developed to predict the effect of missense changes on protein structure and function are either unavailable or do not agree on the potential impact of this missense change (SIFT: "Deleterious"; PolyPhen-2: "Benign"; Align-GVGD: "Class C0"). This variant has not been reported in the literature in individuals affected with CACNA1D-related conditions. This variant is not present in population databases (gnomAD no frequency). This sequence change replaces serine, which is neutral and polar, with asparagine, which is neutral and polar, at codon 1987 of the CACNA1D protein (p.Ser1987Asn).

NM_001128840.3(CACNA1D):c.5900G>A (p.Ser1967Asn)

Gene: CACNA1D (calcium voltage-gated channel subunit alpha1 D; plus strand). Cytogenetic location: 3p21.1.
Variant type: single nucleotide variant.
Coding change: c.5900G>A on transcript NM_001128840.3 (MANE Select); coding-DNA position 5900, G replaced by A.
Protein change: p.Ser1967Asn; replaces serine 1967 with asparagine.
Molecular consequence: missense variant.
Genome position (GRCh38, 1-based): chr3:53,810,006, G>A. VCF-style: chr3-53810006-G-A. GRCh37 (hg19) VCF-style: chr3-53844033-G-A.
Other names: c.5960G>A, p.Ser1987Asn (NM_000720.4); c.5828G>A, p.Ser1943Asn (NM_001128839.3); short protein forms S1967N, S1987N, S1943N.
Identifiers: ClinVar variation 2833883 (VCV002833883.3), dbSNP rs1161870185, ClinGen allele CA353257700.